The following is an entry in ClinVar:

ClinVar aggregate classification (germline): Uncertain significance (1 of 4 stars; one submission).

Conditions:
PHGDH deficiency. Identifiers: Orphanet 79351, MedGen C1866174, MONDO:0011152, OMIM 601815.

Submission:

Labcorp Genetics (formerly Invitae), Labcorp
Classification: Uncertain significance for PHGDH deficiency. Last evaluated: 2025-09-09. Review status: criteria provided, single submitter. Criteria: Invitae Variant Classification Sherloc (09022015). Collection method: clinical testing. Allele origin: germline.
Comment: This sequence change replaces leucine, which is neutral and non-polar, with proline, which is neutral and non-polar, at codon 151 of the PHGDH protein (p.Leu151Pro). This variant is not present in population databases (gnomAD no frequency). This variant has not been reported in the literature in individuals affected with PHGDH-related conditions. Invitae Evidence Modeling of protein sequence and biophysical properties (such as structural, functional, and spatial information, amino acid conservation, physicochemical variation, residue mobility, and thermodynamic stability) has been performed for this missense variant. However, the output from this modeling did not meet the statistical confidence thresholds required to predict the impact of this variant on PHGDH protein function. In summary, the available evidence is currently insufficient to determine the role of this variant in disease. Therefore, it has been classified as a Variant of Uncertain Significance.

NM_006623.4(PHGDH):c.452T>C (p.Leu151Pro)

Gene: PHGDH (phosphoglycerate dehydrogenase; plus strand). Cytogenetic location: 1p12.
Variant type: single nucleotide variant.
Coding change: c.452T>C on transcript NM_006623.4 (MANE Select); coding-DNA position 452, T replaced by C.
Protein change: p.Leu151Pro; replaces leucine 151 with proline.
Molecular consequence: missense variant.
Genome position (GRCh38, 1-based): chr1:119,727,044, T>C. VCF-style: chr1-119727044-T-C. GRCh37 (hg19) VCF-style: chr1-120269667-T-C.
Other names: short protein forms L151P.
Identifiers: ClinVar variation 4711096 (VCV004711096.1).
Genomic context (GRCh38, chr1:119,727,044, plus strand): 5'-TTTTGCCTGTTTGGTTGCAGTTCATGGGAACAGAGCTGAATGGAAAGACCCTGGGAATTC[T>C]TGGCCTGGGCAGGATTGGGAGAGAGGTAGCTACCCGGATGCAGTCCTTTGGGATGAAGGT-3'
Protein context (NP_006614.2, residues 141-161): TELNGKTLGI[Leu151Pro]GLGRIGREVA